The following is an entry in ClinVar:

NM_006231.4(POLE):c.444G>C (p.Leu148Phe)

Gene: POLE (DNA polymerase epsilon, catalytic subunit; minus strand). Cytogenetic location: 12q24.33.
Variant type: single nucleotide variant.
Coding change: c.444G>C on transcript NM_006231.4 (MANE Select); coding-DNA position 444, G replaced by C.
Protein change: p.Leu148Phe; replaces leucine 148 with phenylalanine.
Molecular consequence: missense variant.
Genome position (GRCh38, 1-based): chr12:132,679,631, C>G on the plus strand (G>C on the coding strand, the complement: POLE is on the minus strand). VCF-style: chr12-132679631-C-G. GRCh37 (hg19) VCF-style: chr12-133256217-C-G.
Other names: c.444G>C (NM_006231.2); short protein forms L148F.
Identifiers: ClinVar variation 405653 (VCV000405653.11), dbSNP rs1060500797, ClinGen allele CA16614057.

ClinVar aggregate classification (germline): Uncertain significance. Review status: criteria provided, multiple submitters, no conflicts (2 of 4 stars). 3 submissions from 3 submitters: Uncertain significance (3). Last evaluated 2026-07-01.

Conditions:
Hereditary cancer-predisposing syndrome. Also called: Hereditary neoplastic syndrome; Neoplastic Syndromes, Hereditary; Hereditary Cancer Syndrome; Tumor predisposition. Identifiers: Orphanet 140162, MedGen C0027672, MeSH D009386, MONDO:0015356.

Allele frequency attached by ClinVar (database versions not stated): gnomAD 0.00001; gnomAD exomes 0.00001.
gnomAD v4.1: 20 of 1,611,172 alleles (0.0012%); highest among the groups gnomAD compares: Non-Finnish European, 0.0017%; no homozygotes.

Submissions (3):

CeGaT Center for Human Genetics Tuebingen
Classification: Uncertain significance. Last evaluated: 2026-07-01. Review status: criteria provided, single submitter. Criteria: CeGaT Center For Human Genetics Tuebingen Variant Classification Criteria Version 2. Collection method: clinical testing. Allele origin: germline. Affected: yes. Observed: 1 variant allele.

Labcorp Genetics (formerly Invitae), Labcorp
Classification: Uncertain significance. Last evaluated: 2026-01-11. Review status: criteria provided, single submitter. Criteria: Invitae Variant Classification Sherloc (09022015). Collection method: clinical testing. Allele origin: germline.
Comment: This sequence change replaces leucine, which is neutral and non-polar, with phenylalanine, which is neutral and non-polar, at codon 148 of the POLE protein (p.Leu148Phe). This variant is present in population databases (no rsID available, gnomAD 0.002%). This missense change has been observed in individual(s) with colorectal cancer (PMID: 25559809). ClinVar contains an entry for this variant (Variation ID: 405653). Invitae Evidence Modeling of protein sequence and biophysical properties (such as structural, functional, and spatial information, amino acid conservation, physicochemical variation, residue mobility, and thermodynamic stability) indicates that this missense variant is expected to disrupt POLE protein function with a positive predictive value of 80%. In summary, the available evidence is currently insufficient to determine the role of this variant in disease. Therefore, it has been classified as a Variant of Uncertain Significance.

Ambry Genetics
Classification: Uncertain significance for Hereditary cancer-predisposing syndrome. Last evaluated: 2025-04-02. Review status: criteria provided, single submitter. Criteria: Ambry Variant Classification Scheme 2023. Collection method: clinical testing. Allele origin: germline.
Comment: The p.L148F variant (also known as c.444G>C), located in coding exon 6 of the POLE gene, results from a G to C substitution at nucleotide position 444. The leucine at codon 148 is replaced by phenylalanine, an amino acid with highly similar properties. This amino acid position is highly conserved in available vertebrate species. In addition, this alteration is predicted to be tolerated by in silico analysis. Based on the available evidence, the clinical significance of this variant remains unclear.

Literature cited by the submitters: PubMed 25559809 (cited by Labcorp Genetics (formerly Invitae), Labcorp and Ambry Genetics).